The following is an entry in ClinVar:

ClinVar aggregate classification (germline): Likely benign. Review status: criteria provided, multiple submitters, no conflicts (2 of 4 stars). 2 submissions from 2 submitters: Likely benign (2). Last evaluated 2024-09-10.

Allele frequency attached by ClinVar (database versions not stated): ExAC 0.00002; gnomAD 0.00004; ESP Exome Variant Server 0.00010; TOPMed 0.00011.
gnomAD v4.1: 34 of 1,613,792 alleles (0.0021%); highest among the groups gnomAD compares: Admixed American, 0.012%; no homozygotes.

Submissions (2):

Blueprint Genetics
Classification: Likely benign. Last evaluated: 2024-09-10. Review status: criteria provided, single submitter. Criteria: ACMG Guidelines, 2015. Collection method: clinical testing. Allele origin: germline.

CeGaT Center for Human Genetics Tuebingen
Classification: Likely benign. Last evaluated: 2023-04-01. Review status: criteria provided, single submitter. Criteria: CeGaT Center For Human Genetics Tuebingen Variant Classification Criteria Version 2. Collection method: clinical testing. Allele origin: germline. Affected: yes. Observed: 1 variant allele.
Comment: CHAT: BP4, BP7

NM_020549.5(CHAT):c.287-441G>A

Gene: CHAT (choline O-acetyltransferase; plus strand). Cytogenetic location: 10q11.23.
Variant type: single nucleotide variant.
Coding change: c.287-441G>A on transcript NM_020549.5 (MANE Select); 441 bases into the intron before coding-DNA position 287, G replaced by A.
Molecular consequence: intron variant. On other transcripts: synonymous variant (1), 5 prime UTR variant (1).
Genome position (GRCh38, 1-based): chr10:49,616,061, G>A. VCF-style: chr10-49616061-G-A. GRCh37 (hg19) VCF-style: chr10-50824107-G-A.
Other names: c.9G>A, p.Pro3= (NM_001142933.2); c.-100G>A (NM_001142934.2); c.-68-441G>A (NM_020984.4, NM_020985.4, NM_020986.4 and 1 more transcripts).
Identifiers: ClinVar variation 2640461 (VCV002640461.25), dbSNP rs374523860, ClinGen allele CA5497062.